The following is an entry in ClinVar:

ClinVar aggregate classification (germline): Uncertain significance. Review status: criteria provided, single submitter (1 of 4 stars). 2 submissions from 2 submitters: Uncertain significance (1). 1 of the submissions does not count toward it. Last evaluated 2023-02-01.

Conditions:
Bloom syndrome (BLM). Also called: Bloom-Torre-Machacek syndrome. Identifiers: Orphanet 125, MedGen C0005859, MONDO:0008876, OMIM 210900.

Submissions (2):

Labcorp Genetics (formerly Invitae), Labcorp
Classification: Uncertain significance for Bloom syndrome. Last evaluated: 2023-02-01. Review status: criteria provided, single submitter. Criteria: Invitae Variant Classification Sherloc (09022015). Collection method: clinical testing. Allele origin: germline.
Comment: ClinVar contains an entry for this variant (Variation ID: 990974). This variant is not present in population databases (gnomAD no frequency). This sequence change replaces serine, which is neutral and polar, with cysteine, which is neutral and slightly polar, at codon 1228 of the BLM protein (p.Ser1228Cys). Advanced modeling of protein sequence and biophysical properties (such as structural, functional, and spatial information, amino acid conservation, physicochemical variation, residue mobility, and thermodynamic stability) performed at Invitae indicates that this missense variant is not expected to disrupt BLM protein function. In summary, the available evidence is currently insufficient to determine the role of this variant in disease. Therefore, it has been classified as a Variant of Uncertain Significance. This variant has not been reported in the literature in individuals affected with BLM-related conditions.

Natera, Inc.
Classification: Uncertain significance for Bloom syndrome. Last evaluated: 2020-04-24. Review status: no assertion criteria provided. Collection method: clinical testing. Allele origin: germline. Not counted in ClinVar's aggregate classification.

NM_000057.4(BLM):c.3683C>G (p.Ser1228Cys)

Gene: BLM (BLM RecQ like helicase; plus strand). Cytogenetic location: 15q26.1.
Variant type: single nucleotide variant.
Coding change: c.3683C>G on transcript NM_000057.4 (MANE Select); coding-DNA position 3683, C replaced by G.
Protein change: p.Ser1228Cys; replaces serine 1228 with cysteine.
Molecular consequence: missense variant. On other transcripts: intron variant (1).
Genome position (GRCh38, 1-based): chr15:90,804,291, C>G. VCF-style: chr15-90804291-C-G. GRCh37 (hg19) VCF-style: chr15-91347521-C-G.
Other names: c.3683C>G, p.Ser1228Cys (NM_001287246.2); c.2558C>G, p.Ser853Cys (NM_001287248.2); c.3359-4846C>G (NM_001287247.2); short protein forms S1228C, S853C.
Identifiers: ClinVar variation 990974 (VCV000990974.4), dbSNP rs1897236482, ClinGen allele CA393848161.